The following is an entry in ClinVar:

NM_000181.4(GUSB):c.739C>T (p.Gln247Ter)

Gene: GUSB (glucuronidase beta; minus strand). Cytogenetic location: 7q11.21.
Variant type: single nucleotide variant.
Coding change: c.739C>T on transcript NM_000181.4 (MANE Select); coding-DNA position 739, C replaced by T.
Protein change: p.Gln247Ter; replaces glutamine 247 with a stop codon.
Molecular consequence: nonsense. On other transcripts: non-coding transcript variant (1), intron variant (1).
Genome position (GRCh38, 1-based): chr7:65,976,188, G>A on the plus strand (C>T on the coding strand, the complement: GUSB is on the minus strand). VCF-style: chr7-65976188-G-A. GRCh37 (hg19) VCF-style: chr7-65441175-G-A.
Other names: c.169C>T, p.Gln57Ter (NM_001293104.2); c.82C>T, p.Gln28Ter (NM_001293105.2); c.475-1117C>T (NM_001284290.2); short protein forms Q247*, Q57*, Q28*.
Identifiers: ClinVar variation 2803581 (VCV002803581.3), dbSNP rs1177306016, ClinGen allele CA367646944.

ClinVar aggregate classification (germline): Pathogenic (1 of 4 stars; one submission).

Conditions:
Mucopolysaccharidosis type 7 (MPS7). Also called: BETA-GLUCURONIDASE DEFICIENCY; GUSB DEFICIENCY; SLY SYNDROME; MPS VII. Identifiers: Orphanet 584, MedGen C0085132, MONDO:0009662, OMIM 253220.

Submission:

Labcorp Genetics (formerly Invitae), Labcorp
Classification: Pathogenic for Mucopolysaccharidosis type 7. Last evaluated: 2023-08-24. Review status: criteria provided, single submitter. Criteria: Invitae Variant Classification Sherloc (09022015). Collection method: clinical testing. Allele origin: germline.
Comment: This variant has not been reported in the literature in individuals affected with GUSB-related conditions. This variant is not present in population databases (gnomAD no frequency). This sequence change creates a premature translational stop signal (p.Gln247*) in the GUSB gene. It is expected to result in an absent or disrupted protein product. Loss-of-function variants in GUSB are known to be pathogenic (PMID: 19224584). For these reasons, this variant has been classified as Pathogenic.

Literature cited by the submitters: PubMed 19224584.